The following is an entry in ClinVar:

NM_000292.3(PHKA2):c.718-3C>T

Gene: PHKA2 (phosphorylase kinase regulatory subunit alpha 2; minus strand). Cytogenetic location: Xp22.13.
Variant type: single nucleotide variant.
Coding change: c.718-3C>T on transcript NM_000292.3 (MANE Select); 3 bases into the intron before coding-DNA position 718, C replaced by T.
Molecular consequence: intron variant.
Genome position (GRCh38, 1-based): chrX:18,941,678, G>A on the plus strand (C>T on the coding strand, the complement: PHKA2 is on the minus strand). VCF-style: chrX-18941678-G-A. GRCh37 (hg19) VCF-style: chrX-18959796-G-A.
Other names: p.?.
Identifiers: ClinVar variation 255778 (VCV000255778.17), dbSNP rs140662042, ClinGen allele CA10362054.

ClinVar aggregate classification (germline): Benign. Review status: criteria provided, multiple submitters, no conflicts (2 of 4 stars). 5 submissions from 5 submitters: Benign (5). Last evaluated 2026-02-02.

Conditions:
Glycogen storage disease IXa1. Also called: Glycogen storage disease 8; LIVER GLYCOGENOSIS, X-LINKED, TYPE I; GLYCOGEN STORAGE DISEASE VIII; GSD VIII. Identifiers: Orphanet 264580, MedGen C3694531, MONDO:0010598, OMIM 306000.

Allele frequency attached by ClinVar (database versions not stated): 1000 Genomes Project 0.00636; 1000 Genomes Project 30x 0.00666; gnomAD exomes 0.01008 and 0.01562; TOPMed 0.01037; ExAC 0.01092; gnomAD 0.01131 and 0.01175; ESP Exome Variant Server 0.01297.
gnomAD v4.1: 17,504 of 1,157,524 alleles (1.5%); highest among the groups gnomAD compares: Non-Finnish European, 1.9%; 121 homozygotes.

Submissions (22):

Labcorp Genetics (formerly Invitae), Labcorp
Classification: Benign for Glycogen storage disease IXa1. Last evaluated: 2026-02-02. Review status: criteria provided, single submitter. Criteria: Invitae Variant Classification Sherloc (09022015). Collection method: clinical testing. Allele origin: germline.

ARUP Laboratories, Molecular Genetics and Genomics, ARUP Laboratories
Classification: Benign. Last evaluated: 2025-07-31. Review status: criteria provided, single submitter. Criteria: ARUP Molecular Germline Variant Investigation Process 2024. Collection method: clinical testing. Allele origin: germline.

Mayo Clinic Laboratories, Mayo Clinic
Classification: Benign. Last evaluated: 2025-06-13. Review status: criteria provided, single submitter. Criteria: ACMG Guidelines, 2015. Collection method: clinical testing. Allele origin: germline. Observed: 12 variant alleles.
Comment: BA1, BP4, BP7

GeneDx
Classification: Benign. Last evaluated: 2016-02-23. Review status: criteria provided, single submitter. Criteria: GeneDx Variant Classification (06012015). Collection method: clinical testing. Allele origin: germline. Affected: yes.
Comment: This variant is considered likely benign or benign based on one or more of the following criteria: it is a conservative change, it occurs at a poorly conserved position in the protein, it is predicted to be benign by multiple in silico algorithms, and/or has population frequency not consistent with disease.

PreventionGenetics, part of Exact Sciences
Classification: Benign. Review status: criteria provided, single submitter. Criteria: ACMG Guidelines, 2015. Collection method: clinical testing. Allele origin: germline.

Dr. Peter K. Rogan Lab, Western University
No classification provided (evidence only). Condition: Lung cancer. Review status: no classification provided. Collection method: in vitro. Allele origin: not applicable. Functional consequence: retained intron. Not counted in ClinVar's aggregate classification.

Dr. Peter K. Rogan Lab, Western University
No classification provided (evidence only). Condition: Melanoma. Review status: no classification provided. Collection method: in vitro. Allele origin: not applicable. Functional consequence: retained intron. Not counted in ClinVar's aggregate classification.

Dr. Peter K. Rogan Lab, Western University
No classification provided (evidence only). Condition: Familial cancer of breast. Review status: no classification provided. Collection method: in vitro. Allele origin: not applicable. Functional consequence: retained intron. Not counted in ClinVar's aggregate classification.

Dr. Peter K. Rogan Lab, Western University
No classification provided (evidence only). Condition: Familial cancer of breast. Review status: no classification provided. Collection method: in vitro. Allele origin: not applicable. Functional consequence: retained intron. Not counted in ClinVar's aggregate classification.

Dr. Peter K. Rogan Lab, Western University
No classification provided (evidence only). Condition: Acute myeloid leukemia. Review status: no classification provided. Collection method: in vitro. Allele origin: not applicable. Functional consequence: retained intron. Not counted in ClinVar's aggregate classification.

Dr. Peter K. Rogan Lab, Western University
No classification provided (evidence only). Condition: Acute myeloid leukemia. Review status: no classification provided. Collection method: in vitro. Allele origin: not applicable. Functional consequence: retained intron. Not counted in ClinVar's aggregate classification.

Dr. Peter K. Rogan Lab, Western University
No classification provided (evidence only). Condition: Acute myeloid leukemia. Review status: no classification provided. Collection method: in vitro. Allele origin: not applicable. Functional consequence: retained intron. Not counted in ClinVar's aggregate classification.

Dr. Peter K. Rogan Lab, Western University
No classification provided (evidence only). Condition: Acute myeloid leukemia. Review status: no classification provided. Collection method: in vitro. Allele origin: not applicable. Functional consequence: retained intron. Not counted in ClinVar's aggregate classification.

Dr. Peter K. Rogan Lab, Western University
No classification provided (evidence only). Condition: Colon adenocarcinoma. Review status: no classification provided. Collection method: in vitro. Allele origin: not applicable. Functional consequence: retained intron. Not counted in ClinVar's aggregate classification.

Dr. Peter K. Rogan Lab, Western University
No classification provided (evidence only). Condition: Cervical cancer. Review status: no classification provided. Collection method: in vitro. Allele origin: not applicable. Functional consequence: retained intron. Not counted in ClinVar's aggregate classification.

Dr. Peter K. Rogan Lab, Western University
No classification provided (evidence only). Condition: Sarcoma. Review status: no classification provided. Collection method: in vitro. Allele origin: not applicable. Functional consequence: retained intron. Not counted in ClinVar's aggregate classification.

Dr. Peter K. Rogan Lab, Western University
No classification provided (evidence only). Condition: Thymoma. Review status: no classification provided. Collection method: in vitro. Allele origin: not applicable. Functional consequence: retained intron. Not counted in ClinVar's aggregate classification.

Dr. Peter K. Rogan Lab, Western University
No classification provided (evidence only). Condition: Ovarian serous cystadenocarcinoma. Review status: no classification provided. Collection method: in vitro. Allele origin: not applicable. Functional consequence: retained intron. Not counted in ClinVar's aggregate classification.

Dr. Peter K. Rogan Lab, Western University
No classification provided (evidence only). Condition: Gastric cancer. Review status: no classification provided. Collection method: in vitro. Allele origin: not applicable. Functional consequence: retained intron. Not counted in ClinVar's aggregate classification.

Dr. Peter K. Rogan Lab, Western University
No classification provided (evidence only). Condition: Gastric cancer. Review status: no classification provided. Collection method: in vitro. Allele origin: not applicable. Functional consequence: retained intron. Not counted in ClinVar's aggregate classification.

Dr. Peter K. Rogan Lab, Western University
No classification provided (evidence only). Condition: Gastric cancer. Review status: no classification provided. Collection method: in vitro. Allele origin: not applicable. Functional consequence: retained intron. Not counted in ClinVar's aggregate classification.

Dr. Peter K. Rogan Lab, Western University
No classification provided (evidence only). Condition: Malignant tumor of esophagus. Review status: no classification provided. Collection method: in vitro. Allele origin: not applicable. Functional consequence: retained intron. Not counted in ClinVar's aggregate classification.

Literature cited by the submitters: PubMed 17689125 (cited by Mayo Clinic Laboratories, Mayo Clinic).